The following is an entry in ClinVar:

ClinVar aggregate classification (germline): Uncertain significance (1 of 4 stars; one submission).

Conditions:
Anemia, nonspherocytic hemolytic, due to G6PD deficiency (CNSHA1). Also called: Hemolytic anemia due to G6PD deficiency; Class I glucose-6-phosphate dehydrogenase deficiency; Favism, susceptibility to; ANEMIA, CONGENITAL, NONSPHEROCYTIC HEMOLYTIC, 1. Identifiers: Orphanet 466026, MedGen C2720289, MONDO:0010480, OMIM 300908.

Allele frequency attached by ClinVar (database versions not stated): 1000 Genomes Project 30x 0.56920; TOPMed 0.61821; gnomAD 0.63950; gnomAD exomes 0.76115.
gnomAD v4.1: 152,267 of 217,608 alleles (70%); highest among the groups gnomAD compares: East Asian, 86%; 44,702 homozygotes.

Submission:

Dunham Lab, University of Washington
Classification: Uncertain significance for Anemia, nonspherocytic hemolytic, due to G6PD deficiency. Last evaluated: 2022-08-12. Review status: criteria provided, single submitter. Criteria: ACMG Guidelines, 2015. Collection method: curation. Allele origin: unknown. Affected: yes.
Comment: Decreased activity in red blood cells (8-23%) (PS3). Predicted to alter mRNA secondary structure and alter miRNA binding sites (PP3). Individuals with variant on 1311C>T/1365-13T>C haplotype have deficiency, some with anemia; this haplotype alone was found to have decreased G6PD activity (10-60%) (BP5). Frequency of 32.1% gnomAD2 and 35.9% gnomAD3 (BA1). Reported as benign by ARUP Laboratories and Invitae (BP6).

Literature cited by the submitters: PubMed 28059001; PubMed 23389243.

NM_001360016.2(G6PD):c.*357G>A

Gene: G6PD (glucose-6-phosphate dehydrogenase; minus strand). Cytogenetic location: Xq28.
Variant type: single nucleotide variant.
Coding change: c.*357G>A on transcript NM_001360016.2 (MANE Select); 357 bases downstream of the stop codon, G replaced by A.
Molecular consequence: 3 prime UTR variant.
Genome position (GRCh38, 1-based): chrX:154,531,643, C>T on the plus strand (G>A on the coding strand, the complement: G6PD is on the minus strand). VCF-style: chrX-154531643-C-T. GRCh37 (hg19) VCF-style: chrX-153759858-T-T.
Other names: c.*357G>A (NM_000402.4, NM_001042351.3).
Identifiers: ClinVar variation 1722702 (VCV001722702.2), dbSNP rs1050757, ClinGen allele CA337315355.
Genomic context (GRCh38, chrX:154,531,643, plus strand): 5'-CTGGCGGGCAAGGCCACAGGCAGATTCTCTCACGTGGGTGCTCGCCCCTTTCCTCCCCCT[C>T]GTCCCTCCCTCCCACCCTGGCCCCACTCAGGAGTGAGACCCAGTGGCCAATAAGCTCTGG-3'